The following is an entry in ClinVar:

NM_153704.6(TMEM67):c.1318C>T (p.Arg440Trp)

Gene: TMEM67 (transmembrane protein 67; plus strand). Cytogenetic location: 8q22.1.
Variant type: single nucleotide variant.
Coding change: c.1318C>T on transcript NM_153704.6 (MANE Select); coding-DNA position 1318, C replaced by T.
Protein change: p.Arg440Trp; replaces arginine 440 with tryptophan.
Molecular consequence: missense variant. On other transcripts: non-coding transcript variant (1).
Genome position (GRCh38, 1-based): chr8:93,786,252, C>T. VCF-style: chr8-93786252-C-T. GRCh37 (hg19) VCF-style: chr8-94798480-C-T.
Other names: c.1075C>T, p.Arg359Trp (NM_001142301.1); short protein forms R359W, R440W.
Identifiers: ClinVar variation 642294 (VCV000642294.10), dbSNP rs774746409, ClinGen allele CA4807930.

ClinVar aggregate classification (germline): Pathogenic/Likely pathogenic. Review status: criteria provided, multiple submitters, no conflicts (2 of 4 stars). 2 submissions from 2 submitters: Pathogenic (1); Likely pathogenic (1). Last evaluated 2026-01-13.

Conditions:
Meckel-Gruber syndrome. Also called: Dysencephalia splachnocystica; DYSENCEPHALIA SPLANCHNOCYSTICA; GRUBER SYNDROME. Identifiers: Orphanet 564, MedGen C0265215, MONDO:0018921.
Joubert syndrome. Also called: Familial aplasia of the vermis; CEREBELLOPARENCHYMAL DISORDER IV; JOUBERT-BOLTSHAUSER SYNDROME. Identifiers: Orphanet 475, MedGen C5979921, MONDO:0018772.
COACH syndrome 1. Identifiers: Orphanet 1454, MedGen C5435651, MONDO:0800103, OMIM 216360, MONDO:0008996.
Joubert syndrome 6 (JBTS6). Identifiers: Orphanet 475, MedGen C1853153, MONDO:0012539, OMIM 610688.
Bardet-Biedl syndrome 14 (BBS14). Identifiers: Orphanet 110, MedGen C2673874, MONDO:0014442, OMIM 615991.
Meckel syndrome, type 3 (MKS3). Also called: MECKEL-GRUBER SYNDROME, TYPE 3. Identifiers: Orphanet 564, MedGen C1846357, MONDO:0011821, OMIM 607361.
Nephronophthisis 11 (NPHP11). Identifiers: Orphanet 84081, MedGen C3150796, MONDO:0013302, OMIM 613550.
RHYNS syndrome. Also called: RETINITIS PIGMENTOSA SYNDROME; RETINITIS PIGMENTOSA, HYPOPITUITARISM, NEPHRONOPHTHISIS, AND MILD SKELETAL DYSPLASIA. Identifiers: Orphanet 140976, MedGen C1865794, MONDO:0011202, OMIM 602152.

Allele frequency attached by ClinVar (database versions not stated): gnomAD exomes below 0.00001; gnomAD 0.00001; TOPMed 0.00001; ExAC 0.00002.
gnomAD v4.1: 4 of 1,613,876 alleles (0.00025%); highest among the groups gnomAD compares: Non-Finnish European, 0.00034%; no homozygotes.

Submissions (2):

Labcorp Genetics (formerly Invitae), Labcorp
Classification: Pathogenic for Joubert syndrome; Meckel-Gruber syndrome. Last evaluated: 2026-01-13. Review status: criteria provided, single submitter. Criteria: Invitae Variant Classification Sherloc (09022015). Collection method: clinical testing. Allele origin: germline.
Comment: This sequence change replaces arginine, which is basic and polar, with tryptophan, which is neutral and slightly polar, at codon 440 of the TMEM67 protein (p.Arg440Trp). This variant is present in population databases (rs774746409, gnomAD 0.004%). This missense change has been observed in individual(s) with Joubert syndrome (internal data). ClinVar contains an entry for this variant (Variation ID: 642294). Invitae Evidence Modeling of protein sequence and biophysical properties (such as structural, functional, and spatial information, amino acid conservation, physicochemical variation, residue mobility, and thermodynamic stability) indicates that this missense variant is expected to disrupt TMEM67 protein function with a positive predictive value of 95%. Algorithms developed to predict the effect of sequence changes on RNA splicing suggest that this variant may disrupt the consensus splice site. This variant disrupts the p.Arg440 amino acid residue in TMEM67. Other variant(s) that disrupt this residue have been determined to be pathogenic (PMID: 17377820, 17397051, 19058225, 19466712, 20232449). This suggests that this residue is clinically significant, and that variants that disrupt this residue are likely to be disease-causing. For these reasons, this variant has been classified as Pathogenic.

Fulgent Genetics
Classification: Likely pathogenic for COACH syndrome 1; RHYNS syndrome; Meckel syndrome, type 3; Joubert syndrome 6; Nephronophthisis 11; Bardet-Biedl syndrome 14. Last evaluated: 2024-05-06. Review status: criteria provided, single submitter. Criteria: ACMG Guidelines, 2015. Collection method: clinical testing. Allele origin: germline.

Literature cited by the submitters: PubMed 17377820 (cited by Labcorp Genetics (formerly Invitae), Labcorp); PubMed 17397051 (cited by Labcorp Genetics (formerly Invitae), Labcorp); PubMed 19058225 (cited by Labcorp Genetics (formerly Invitae), Labcorp); PubMed 19466712 (cited by Labcorp Genetics (formerly Invitae), Labcorp); PubMed 20232449 (cited by Labcorp Genetics (formerly Invitae), Labcorp).